The following is an entry in ClinVar:

NM_024675.4(PALB2):c.2642G>C (p.Gly881Ala)

Gene: PALB2 (partner and localizer of BRCA2; minus strand). Cytogenetic location: 16p12.2.
Variant type: single nucleotide variant.
Coding change: c.2642G>C on transcript NM_024675.4 (MANE Select); coding-DNA position 2642, G replaced by C.
Protein change: p.Gly881Ala; replaces glycine 881 with alanine.
Molecular consequence: missense variant. On other transcripts: intron variant (3).
Genome position (GRCh38, 1-based): chr16:23,626,342, C>G on the plus strand (G>C on the coding strand, the complement: PALB2 is on the minus strand). VCF-style: chr16-23626342-C-G. GRCh37 (hg19) VCF-style: chr16-23637663-C-G.
Other names: c.2582G>C, p.Gly861Ala (NM_001407296.1); c.2570G>C, p.Gly857Ala (NM_001407297.1); c.2642G>C, p.Gly881Ala (NM_001407299.1, NM_001407300.1, NM_001407301.1); c.1757G>C, p.Gly586Ala (NM_001407304.1, NM_001407305.1, NM_001407306.1 and 4 more transcripts); c.854G>C, p.Gly285Ala (NM_001407312.1, NM_001407313.1); c.176G>C, p.Gly59Ala (NM_001407314.1); c.2587-2248G>C (NM_001407302.1, NM_001407298.1); c.1702-2248G>C (NM_001407307.1); short protein forms G285A, G59A, G861A, G586A, G857A, G881A.
Identifiers: ClinVar variation 2720314 (VCV002720314.3), dbSNP rs772499138, ClinGen allele CA395122144.

ClinVar aggregate classification (germline): Uncertain significance (1 of 4 stars; one submission).

Conditions:
Familial cancer of breast. Also called: Hereditary breast cancer; BREAST CANCER, FAMILIAL; hereditary breast carcinoma. Identifiers: Orphanet 227535, MedGen C0346153, MONDO:0016419, OMIM 114480. Disease mechanism: loss of function.

Submission:

Labcorp Genetics (formerly Invitae), Labcorp
Classification: Uncertain significance for Familial cancer of breast. Last evaluated: 2023-06-21. Review status: criteria provided, single submitter. Criteria: Invitae Variant Classification Sherloc (09022015). Collection method: clinical testing. Allele origin: germline.
Comment: In summary, the available evidence is currently insufficient to determine the role of this variant in disease. Therefore, it has been classified as a Variant of Uncertain Significance. Advanced modeling of protein sequence and biophysical properties (such as structural, functional, and spatial information, amino acid conservation, physicochemical variation, residue mobility, and thermodynamic stability) performed at Invitae indicates that this missense variant is expected to disrupt PALB2 protein function. This variant has not been reported in the literature in individuals affected with PALB2-related conditions. This variant is not present in population databases (gnomAD no frequency). This sequence change replaces glycine, which is neutral and non-polar, with alanine, which is neutral and non-polar, at codon 881 of the PALB2 protein (p.Gly881Ala).